The following is an entry in ClinVar:

ClinVar aggregate classification (germline): Uncertain significance (1 of 4 stars; one submission).

Submission:

Labcorp Genetics (formerly Invitae), Labcorp
Classification: Uncertain significance. Last evaluated: 2023-03-08. Review status: criteria provided, single submitter. Criteria: Invitae Variant Classification Sherloc (09022015). Collection method: clinical testing. Allele origin: germline.
Comment: This sequence change falls in intron 35 of the SNRNP200 gene. It does not directly change the encoded amino acid sequence of the SNRNP200 protein. This variant is not present in population databases (gnomAD no frequency). This variant has not been reported in the literature in individuals affected with SNRNP200-related conditions. Algorithms developed to predict the effect of sequence changes on RNA splicing suggest that this variant may disrupt the consensus splice site. In summary, the available evidence is currently insufficient to determine the role of this variant in disease. Therefore, it has been classified as a Variant of Uncertain Significance.

NM_014014.5(SNRNP200):c.5024+7A>G

Gene: SNRNP200 (small nuclear ribonucleoprotein U5 subunit 200; minus strand). Cytogenetic location: 2q11.2.
Variant type: single nucleotide variant.
Coding change: c.5024+7A>G on transcript NM_014014.5 (MANE Select); 7 bases into the intron after coding-DNA position 5024, A replaced by G.
Molecular consequence: intron variant.
Genome position (GRCh38, 1-based): chr2:96,281,807, T>C on the plus strand (A>G on the coding strand, the complement: SNRNP200 is on the minus strand). VCF-style: chr2-96281807-T-C. GRCh37 (hg19) VCF-style: chr2-96947545-T-C.
Identifiers: ClinVar variation 2844261 (VCV002844261.3), dbSNP rs2467319126, ClinGen allele CA2739271151.